The following is an entry in ClinVar:

NM_000094.4(COL7A1):c.5963G>T (p.Gly1988Val)

Gene: COL7A1 (collagen type VII alpha 1 chain; minus strand). Cytogenetic location: 3p21.31.
Variant type: single nucleotide variant.
Coding change: c.5963G>T on transcript NM_000094.4 (MANE Select); coding-DNA position 5963, G replaced by T.
Protein change: p.Gly1988Val; replaces glycine 1988 with valine.
Molecular consequence: missense variant.
Genome position (GRCh38, 1-based): chr3:48,575,642, C>A on the plus strand (G>T on the coding strand, the complement: COL7A1 is on the minus strand). VCF-style: chr3-48575642-C-A. GRCh37 (hg19) VCF-style: chr3-48613075-C-A.
Other names: short protein forms G1988V.
Identifiers: ClinVar variation 5004052 (VCV005004052.1).

ClinVar aggregate classification (germline): Uncertain significance (1 of 4 stars; one submission).

Conditions:
Recessive dystrophic epidermolysis bullosa (RDEB). Also called: epidermolysis bullosa dystrophica, autosomal recessive; Epidermolysis Bullosa Distrophica Autosomal Recessive (RDEB); DYSTROPHIC EPIDERMOLYSIS BULLOSA, AUTOSOMAL RECESSIVE; EPIDERMOLYSIS BULLOSA DYSTROPHICA, HALLOPEAU-SIEMENS TYPE; Recessive DEB (RDEB); Hallopeau-Siemens Disease. Identifiers: Orphanet 79408, Orphanet 79409, MedGen C0079474, MONDO:0009179, OMIM 226600.

gnomAD v4.1: 1 of 1,613,442 alleles (0.000062%); highest among the groups gnomAD compares: Non-Finnish European, 0.000085%; no homozygotes.

Submission:

Myriad Genetics, Inc.
Classification: Uncertain significance for Recessive dystrophic epidermolysis bullosa. Last evaluated: 2026-06-24. Review status: criteria provided, single submitter. Criteria: Myriad Autosomal Dominant, Autosomal Recessive and X-Linked Classification Criteria (2023). Collection method: clinical testing. Allele origin: unknown.
Comment: NM_000094.3(COL7A1):c.5963G>T(G1988V) is a missense variant classified as a variant of uncertain significance in the context of dystrophic epidermolysis bullosa. G1988V has not been observed in cases with relevant disease. Relevant functional assessments of this variant are not available in the literature. G1988V has not been observed in referenced population frequency databases. In summary, there is insufficient evidence to classify NM_000094.3(COL7A1):c.5963G>T(G1988V) as pathogenic or benign. Please note: this variant was assessed in the context of healthy population screening.